The following is an entry in ClinVar:

ClinVar aggregate classification (germline): Uncertain significance. Review status: criteria provided, multiple submitters, no conflicts (2 of 4 stars). 2 submissions from 2 submitters: Uncertain significance (2). Last evaluated 2023-01-30.

Conditions:
Autosomal dominant limb-girdle muscular dystrophy type 1F (LGMDD2). Also called: Limb-girdle muscular dystrophy, type 1F; MUSCULAR DYSTROPHY, LIMB-GIRDLE, AUTOSOMAL DOMINANT 2. Identifiers: Orphanet 55595, MedGen C1842062, MONDO:0012034, OMIM 608423.

Allele frequency attached by ClinVar (database versions not stated): gnomAD exomes below 0.00001.
gnomAD v4.1: 1 of 1,614,198 alleles (0.000062%); highest among the groups gnomAD compares: Non-Finnish European, 0.000085%; no homozygotes.

Submissions (2):

GeneDx
Classification: Uncertain significance. Last evaluated: 2023-01-30. Review status: criteria provided, single submitter. Criteria: GeneDx Variant Classification Process June 2021. Collection method: clinical testing. Allele origin: germline. Affected: yes.
Comment: Not observed at significant frequency in large population cohorts (gnomAD); In silico analysis supports that this missense variant has a deleterious effect on protein structure/function; Has not been previously published as pathogenic or benign to our knowledge

Labcorp Genetics (formerly Invitae), Labcorp
Classification: Uncertain significance for Autosomal dominant limb-girdle muscular dystrophy type 1F. Last evaluated: 2022-06-04. Review status: criteria provided, single submitter. Criteria: Invitae Variant Classification Sherloc (09022015). Collection method: clinical testing. Allele origin: germline.
Comment: This sequence change replaces glutamine, which is neutral and polar, with proline, which is neutral and non-polar, at codon 52 of the TNPO3 protein (p.Gln52Pro). This variant is not present in population databases (gnomAD no frequency). In summary, the available evidence is currently insufficient to determine the role of this variant in disease. Therefore, it has been classified as a Variant of Uncertain Significance. Algorithms developed to predict the effect of missense changes on protein structure and function are either unavailable or do not agree on the potential impact of this missense change (SIFT: "Tolerated"; PolyPhen-2: "Probably Damaging"; Align-GVGD: "Class C0"). This variant has not been reported in the literature in individuals affected with TNPO3-related conditions.

NM_012470.4(TNPO3):c.155A>C (p.Gln52Pro)

Gene: TNPO3 (transportin 3; minus strand). Cytogenetic location: 7q32.1.
Variant type: single nucleotide variant.
Coding change: c.155A>C on transcript NM_012470.4 (MANE Select); coding-DNA position 155, A replaced by C.
Protein change: p.Gln52Pro; replaces glutamine 52 with proline.
Molecular consequence: missense variant. On other transcripts: non-coding transcript variant (18).
Genome position (GRCh38, 1-based): chr7:129,018,123, T>G on the plus strand (A>C on the coding strand, the complement: TNPO3 is on the minus strand). VCF-style: chr7-129018123-T-G. GRCh37 (hg19) VCF-style: chr7-128658177-T-G.
Other names: c.155A>C, p.Gln52Pro (NM_001191028.3, NM_001382216.1, NM_001382217.1 and 6 more transcripts); c.155A>C (NM_012470.3); short protein forms Q52P.
Identifiers: ClinVar variation 2051116 (VCV002051116.5), dbSNP rs2536429961, ClinGen allele CA369249161.
Genomic context (GRCh38, chr7:129,018,123, plus strand): 5'-TGAATCTTCATTTTCATGGTCTGTGCAGCAAAATAGCATGACTCCACATCCTGCCGGATC[T>G]GTAACAACTGGTCTGAGATCTCCCATGCATGAACCTGAAAGCGTATTAGACAAAGATGTC-3'
Protein context (NP_036602.1, residues 42-62): HAWEISDQLL[Gln52Pro]IRQDVESCYF